The following is an entry in ClinVar:

NM_000126.4(ETFA):c.451+253A>G

Gene: ETFA (electron transfer flavoprotein subunit alpha; minus strand). Cytogenetic location: 15q24.2.
Variant type: single nucleotide variant.
Coding change: c.451+253A>G on transcript NM_000126.4 (MANE Select); 253 bases into the intron after coding-DNA position 451, A replaced by G.
Molecular consequence: intron variant.
Genome position (GRCh38, 1-based): chr15:76,287,593, T>C on the plus strand (A>G on the coding strand, the complement: ETFA is on the minus strand). VCF-style: chr15-76287593-T-C. GRCh37 (hg19) VCF-style: chr15-76579934-T-C.
Other names: c.304+253A>G (NM_001127716.2).
Identifiers: ClinVar variation 672470 (VCV000672470.1), dbSNP rs115309755, ClinGen allele CA273697978.

ClinVar aggregate classification (germline): Likely benign (1 of 4 stars; one submission).

Allele frequency attached by ClinVar (database versions not stated): gnomAD 0.00415 and 0.00461; 1000 Genomes Project 30x 0.00437; 1000 Genomes Project 0.00439; TOPMed 0.00502.
gnomAD v4.1: 628 of 152,306 alleles (0.41%); highest among the groups gnomAD compares: African/African-American, 1.5%; 6 homozygotes.

Submission:

GeneDx
Classification: Likely benign. Last evaluated: 2018-06-14. Review status: criteria provided, single submitter. Criteria: GeneDx Variant Classification (06012015). Collection method: clinical testing. Allele origin: germline. Affected: yes.
Comment: This variant is considered likely benign or benign based on one or more of the following criteria: it is a conservative change, it occurs at a poorly conserved position in the protein, it is predicted to be benign by multiple in silico algorithms, and/or has population frequency not consistent with disease.